The following is an entry in ClinVar:

NM_144687.4(NLRP12):c.1738T>C (p.Cys580Arg)

Gene: NLRP12 (NLR family pyrin domain containing 12; minus strand). Cytogenetic location: 19q13.42.
Variant type: single nucleotide variant.
Coding change: c.1738T>C on transcript NM_144687.4 (MANE Select); coding-DNA position 1738, T replaced by C.
Protein change: p.Cys580Arg; replaces cysteine 580 with arginine.
Molecular consequence: missense variant.
Genome position (GRCh38, 1-based): chr19:53,809,921, A>G on the plus strand (T>C on the coding strand, the complement: NLRP12 is on the minus strand). VCF-style: chr19-53809921-A-G. GRCh37 (hg19) VCF-style: chr19-54313175-A-G.
Other names: c.1738T>C, p.Cys580Arg (NM_001277126.2, NM_001277129.1); short protein forms C580R.
Identifiers: ClinVar variation 650736 (VCV000650736.8), dbSNP rs1273259606, ClinGen allele CA407412787.

ClinVar aggregate classification (germline): Uncertain significance (1 of 4 stars; one submission).

Conditions:
Familial cold autoinflammatory syndrome 2 (FCAS2). Identifiers: Orphanet 247868, MedGen C2673198, MONDO:0012724, OMIM 611762.

Allele frequency attached by ClinVar (database versions not stated): gnomAD exomes below 0.00001; TOPMed below 0.00001.
gnomAD v4.1: 2 of 1,614,106 alleles (0.00012%); highest among the groups gnomAD compares: African/African-American, 0.0013%; no homozygotes.

Submission:

Labcorp Genetics (formerly Invitae), Labcorp
Classification: Uncertain significance for Familial cold autoinflammatory syndrome 2. Last evaluated: 2018-12-23. Review status: criteria provided, single submitter. Criteria: Invitae Variant Classification Sherloc (09022015). Collection method: clinical testing. Allele origin: germline.
Comment: This sequence change replaces cysteine with arginine at codon 580 of the NLRP12 protein (p.Cys580Arg). The cysteine residue is moderately conserved and there is a large physicochemical difference between cysteine and arginine. This variant is not present in population databases (ExAC no frequency). This variant has not been reported in the literature in individuals with NLRP12-related disease. Algorithms developed to predict the effect of missense changes on protein structure and function output the following: SIFT: "Tolerated"; PolyPhen-2: "Benign"; Align-GVGD: "Class C0". The arginine amino acid residue is found in multiple mammalian species, suggesting that this missense change does not adversely affect protein function. These predictions have not been confirmed by published functional studies and their clinical significance is uncertain. In summary, the available evidence is currently insufficient to determine the role of this variant in disease. Therefore, it has been classified as a Variant of Uncertain Significance.